The following is an entry in ClinVar:

ClinVar aggregate classification (germline): Likely benign. Review status: criteria provided, multiple submitters, no conflicts (2 of 4 stars). 2 submissions from 2 submitters: Likely benign (2). Last evaluated 2025-01-15.

Conditions:
Cardiomyopathy (CMYO). Also called: Cardiomyopathies. Identifiers: Orphanet 167848, MedGen C0878544, MONDO:0004994, HP:0001638. Inheritance: Various modes of inheritance.
Hypertrophic cardiomyopathy. Also called: HYPERTROPHIC MYOCARDIOPATHY. Identifiers: Orphanet 217569, MedGen C0007194, MeSH D002312, MONDO:0005045, HP:0001639.

Allele frequency attached by ClinVar (database versions not stated): gnomAD 0.00001; TOPMed 0.00001.
gnomAD v4.1: 6 of 1,613,972 alleles (0.00037%); highest among the groups gnomAD compares: South Asian, 0.0044%; no homozygotes.

Submissions (2):

Labcorp Genetics (formerly Invitae), Labcorp
Classification: Likely benign for Hypertrophic cardiomyopathy. Last evaluated: 2025-01-15. Review status: criteria provided, single submitter. Criteria: Invitae Variant Classification Sherloc (09022015). Collection method: clinical testing. Allele origin: germline.

All of Us Research Program, National Institutes of Health
Classification: Likely benign for Cardiomyopathy. Last evaluated: 2023-04-28. Review status: criteria provided, single submitter. Criteria: ACMG Guidelines, 2015. Collection method: clinical testing. Allele origin: germline. Inheritance: Autosomal dominant inheritance. Observed: 1 variant allele, 1 heterozygote.
Comment: This study involves interpretation of variants in research participants for the purpose of population health screening. Participant phenotype was not available at the time of variant classification. Additional details can be found in publication PMID: 35346344, PMCID: PMC8962531

NM_000257.4(MYH7):c.2680-11C>T

Gene: MYH7 (myosin heavy chain 7; minus strand). Cytogenetic location: 14q11.2.
Variant type: single nucleotide variant.
Coding change: c.2680-11C>T on transcript NM_000257.4 (MANE Select); 11 bases into the intron before coding-DNA position 2680, C replaced by T.
Molecular consequence: intron variant.
Genome position (GRCh38, 1-based): chr14:23,424,160, G>A on the plus strand (C>T on the coding strand, the complement: MYH7 is on the minus strand). VCF-style: chr14-23424160-G-A. GRCh37 (hg19) VCF-style: chr14-23893369-G-A.
Identifiers: ClinVar variation 1597191 (VCV001597191.9), dbSNP rs1166710990, ClinGen allele CA612937498.